The following is an entry in ClinVar:

ClinVar aggregate classification (germline): Likely benign. Review status: criteria provided, single submitter (1 of 4 stars). 2 submissions from 2 submitters: Likely benign (1). 1 of the submissions does not count toward it. Last evaluated 2024-10-26.

Conditions:
SKIC3-related disorder. Also called: SKIC3-related condition.

Allele frequency attached by ClinVar (database versions not stated): gnomAD exomes below 0.00001; ExAC 0.00001; TOPMed 0.00004; gnomAD 0.00008; 1000 Genomes Project 30x 0.00031.
gnomAD v4.1: 22 of 1,611,516 alleles (0.0014%); highest among the groups gnomAD compares: African/African-American, 0.023%; 1 homozygote.

Submissions (2):

Labcorp Genetics (formerly Invitae), Labcorp
Classification: Likely benign. Last evaluated: 2024-10-26. Review status: criteria provided, single submitter. Criteria: Invitae Variant Classification Sherloc (09022015). Collection method: clinical testing. Allele origin: germline.

PreventionGenetics, part of Exact Sciences
Classification: Likely benign for SKIC3-related condition. Last evaluated: 2019-07-01. Review status: no assertion criteria provided. Collection method: clinical testing. Allele origin: germline. Not counted in ClinVar's aggregate classification.
Comment: This variant is classified as likely benign based on ACMG/AMP sequence variant interpretation guidelines (Richards et al. 2015 PMID: 25741868, with internal and published modifications).

NM_014639.4(SKIC3):c.4686C>G (p.Ser1562=)

Gene: SKIC3 (SKI3 subunit of superkiller complex; minus strand). Cytogenetic location: 5q15.
Variant type: single nucleotide variant.
Coding change: c.4686C>G on transcript NM_014639.4 (MANE Select); coding-DNA position 4686, C replaced by G.
Protein change: p.Ser1562=; no amino-acid change (serine 1562 retained).
Molecular consequence: synonymous variant.
Genome position (GRCh38, 1-based): chr5:95,464,616, G>C on the plus strand (C>G on the coding strand, the complement: SKIC3 is on the minus strand). VCF-style: chr5-95464616-G-C. GRCh37 (hg19) VCF-style: chr5-94800320-G-C.
Other names: c.4686C>G (NM_014639.3).
Identifiers: ClinVar variation 1572834 (VCV001572834.10), dbSNP rs528359681, ClinGen allele CA3346317.